The following is an entry in ClinVar:

ClinVar aggregate classification (germline): Uncertain significance (1 of 4 stars; one submission).

Conditions:
Cognitive impairment - coarse facies - heart defects - obesity - pulmonary involvement - short stature - skeletal dysplasia syndrome. Also called: Chops syndrome; COGNITIVE IMPAIRMENT, COARSE FACIES, HEART DEFECTS, OBESITY, PULMONARY INVOLVEMENT, SHORT STATURE, AND SKELETAL DYSPLASIA; AFF4-Related CHOPS Syndrome. Identifiers: Orphanet 444077, MedGen C4085597, MONDO:0014609, OMIM 616368.

Allele frequency attached by ClinVar (database versions not stated): gnomAD exomes below 0.00001.
gnomAD v4.1: 1 of 1,598,058 alleles (0.000063%); highest among the groups gnomAD compares: Non-Finnish European, 0.000085%; no homozygotes.

Submission:

Labcorp Genetics (formerly Invitae), Labcorp
Classification: Uncertain significance for Cognitive impairment - coarse facies - heart defects - obesity - pulmonary involvement - short stature - skeletal dysplasia syndrome. Last evaluated: 2022-10-21. Review status: criteria provided, single submitter. Criteria: Invitae Variant Classification Sherloc (09022015). Collection method: clinical testing. Allele origin: germline.
Comment: This variant is not present in population databases (gnomAD no frequency). This variant has not been reported in the literature in individuals affected with AFF4-related conditions. Advanced modeling of protein sequence and biophysical properties (such as structural, functional, and spatial information, amino acid conservation, physicochemical variation, residue mobility, and thermodynamic stability) performed at Invitae indicates that this missense variant is not expected to disrupt AFF4 protein function. In summary, the available evidence is currently insufficient to determine the role of this variant in disease. Therefore, it has been classified as a Variant of Uncertain Significance. This sequence change replaces glutamic acid, which is acidic and polar, with lysine, which is basic and polar, at codon 758 of the AFF4 protein (p.Glu758Lys).

NM_014423.4(AFF4):c.2272G>A (p.Glu758Lys)

Gene: AFF4 (ALF transcription elongation factor 4; minus strand). Cytogenetic location: 5q31.1.
Variant type: single nucleotide variant.
Coding change: c.2272G>A on transcript NM_014423.4 (MANE Select); coding-DNA position 2272, G replaced by A.
Protein change: p.Glu758Lys; replaces glutamic acid 758 with lysine.
Molecular consequence: missense variant.
Genome position (GRCh38, 1-based): chr5:132,896,358, C>T on the plus strand (G>A on the coding strand, the complement: AFF4 is on the minus strand). VCF-style: chr5-132896358-C-T. GRCh37 (hg19) VCF-style: chr5-132232050-C-T.
Other names: short protein forms E758K.
Identifiers: ClinVar variation 1719492 (VCV001719492.5), dbSNP rs1223580856, ClinGen allele CA360932843.